The following is an entry in ClinVar:

NM_015047.3(EMC1):c.1432+1G>A

Genes: EMC1 (ER membrane protein complex subunit 1; minus strand), EMC1-AS1 (EMC1 antisense RNA 1; plus strand). Cytogenetic location: 1p36.13.
Variant type: single nucleotide variant.
Coding change: c.1432+1G>A on transcript NM_015047.3 (MANE Select); the canonical splice donor site of the intron after coding-DNA position 1432, G replaced by A.
Molecular consequence: splice donor variant.
Genome position (GRCh38, 1-based): chr1:19,235,129, C>T on the plus strand (G>A on the coding strand, the complement: EMC1 is on the minus strand). VCF-style: chr1-19235129-C-T. GRCh37 (hg19) VCF-style: chr1-19561623-C-T.
Other names: c.1366+1G>A (NM_001271429.2); c.1429+1G>A (NM_001271427.2, NM_001375821.1, NM_001271428.2); c.1432+1G>A (NM_001375820.1).
Identifiers: ClinVar variation 1491007 (VCV001491007.8), dbSNP rs2151952121, ClinGen allele CA338763777.

ClinVar aggregate classification (germline): Likely pathogenic (1 of 4 stars; one submission).

gnomAD v4.1: 1 of 1,613,516 alleles (0.000062%); highest among the groups gnomAD compares: Non-Finnish European, 0.000085%; no homozygotes.

Submission:

Labcorp Genetics (formerly Invitae), Labcorp
Classification: Likely pathogenic. Last evaluated: 2022-07-05. Review status: criteria provided, single submitter. Criteria: Invitae Variant Classification Sherloc (09022015). Collection method: clinical testing. Allele origin: germline.
Comment: In summary, the currently available evidence indicates that the variant is pathogenic, but additional data are needed to prove that conclusively. Therefore, this variant has been classified as Likely Pathogenic. Algorithms developed to predict the effect of sequence changes on RNA splicing suggest that this variant may disrupt the consensus splice site. ClinVar contains an entry for this variant (Variation ID: 1491007). This variant has not been reported in the literature in individuals affected with EMC1-related conditions. This variant is not present in population databases (gnomAD no frequency). This sequence change affects a donor splice site in intron 13 of the EMC1 gene. It is expected to disrupt RNA splicing. Variants that disrupt the donor or acceptor splice site typically lead to a loss of protein function (PMID: 16199547), and loss-of-function variants in EMC1 are known to be pathogenic (PMID: 26572623, 26942288, 29271071).

Literature cited by the submitters: PubMed 16199547; PubMed 26572623; PubMed 26942288; PubMed 29271071.